The following is an entry in ClinVar:

NM_001943.5(DSG2):c.2568A>C (p.Lys856Asn)

Genes: DSG2 (desmoglein 2; plus strand), DSG2-AS1 (DSG2 antisense RNA 1; minus strand). Cytogenetic location: 18q12.1.
Variant type: single nucleotide variant.
Coding change: c.2568A>C on transcript NM_001943.5 (MANE Select); coding-DNA position 2568, A replaced by C.
Protein change: p.Lys856Asn; replaces lysine 856 with asparagine.
Molecular consequence: missense variant.
Genome position (GRCh38, 1-based): chr18:31,545,954, A>C. VCF-style: chr18-31545954-A-C. GRCh37 (hg19) VCF-style: chr18-29125917-A-C.
Other names: c.2568A>C (LRG_397t1); short protein forms K856N.
Identifiers: ClinVar variation 192185 (VCV000192185.4), dbSNP rs200691513, ClinGen allele CA021817.
Genomic context (GRCh38, chr18:31,545,954, plus strand): 5'-AGCTGAAGTTTGCCTGGGTCAAAAAATAGATATAAATAAGGAAATTGAGCAGAGACAAAA[A>C]CCTGCCACAGAAACAAGTATGAACACAGCTTCACATTCACTCTGTGAGCAAACTATGGTT-3'
Protein context (NP_001934.2, residues 846-866): DINKEIEQRQ[Lys856Asn]PATETSMNTA

ClinVar aggregate classification (germline): Benign/Likely benign. Review status: criteria provided, multiple submitters, no conflicts (2 of 4 stars). 3 submissions from 3 submitters: Benign (2); Likely benign (1). Last evaluated 2023-01-10.

Conditions:
Cardiomyopathy (CMYO). Also called: Cardiomyopathies. Identifiers: Orphanet 167848, MedGen C0878544, MONDO:0004994, HP:0001638. Inheritance: Various modes of inheritance.

Allele frequency attached by ClinVar (database versions not stated): ExAC 0.03271.

Submissions (3):

Blueprint Genetics
Classification: Likely benign. Last evaluated: 2023-01-10. Review status: criteria provided, single submitter. Criteria: ACMG Guidelines, 2015. Collection method: clinical testing. Allele origin: germline.

CHEO Genetics Diagnostic Laboratory, Children's Hospital of Eastern Ontario
Classification: Benign for Cardiomyopathy. Last evaluated: 2016-08-18. Review status: criteria provided, single submitter. Criteria: ACMG Guidelines, 2015. Collection method: clinical testing. Allele origin: germline. Study: Canadian Open Genetics Repository.

Biesecker Lab/Clinical Genomics Section, National Institutes of Health
Classification: Benign. Last evaluated: 2013-06-24. Review status: criteria provided, single submitter. Criteria: Ng et al. (Circ Cardiovasc Genet. 2013). Collection method: research. Allele origin: unknown. Observed: 102 variant alleles. Study: ClinSeq.
Comment: The study set was not selected for affection status in relation to any cancer. Pathogenicity categories were based on literature curation. See Pubmed ID:23861362 for details.

Medical sequencing